The following is an entry in ClinVar:

ClinVar aggregate classification (germline): Uncertain significance (1 of 4 stars; one submission).

Conditions:
PHGDH deficiency. Identifiers: Orphanet 79351, MedGen C1866174, MONDO:0011152, OMIM 601815.

gnomAD v4.1: 2 of 1,614,168 alleles (0.00012%); highest among the groups gnomAD compares: Middle Eastern, 0.016%; no homozygotes.

Submission:

Labcorp Genetics (formerly Invitae), Labcorp
Classification: Uncertain significance for PHGDH deficiency. Last evaluated: 2023-12-06. Review status: criteria provided, single submitter. Criteria: Invitae Variant Classification Sherloc (09022015). Collection method: clinical testing. Allele origin: germline.
Comment: This sequence change replaces arginine, which is basic and polar, with serine, which is neutral and polar, at codon 230 of the PHGDH protein (p.Arg230Ser). This variant is not present in population databases (gnomAD no frequency). This variant has not been reported in the literature in individuals affected with PHGDH-related conditions. ClinVar contains an entry for this variant (Variation ID: 1407545). Advanced modeling of protein sequence and biophysical properties (such as structural, functional, and spatial information, amino acid conservation, physicochemical variation, residue mobility, and thermodynamic stability) performed at Invitae indicates that this missense variant is not expected to disrupt PHGDH protein function with a negative predictive value of 80%. In summary, the available evidence is currently insufficient to determine the role of this variant in disease. Therefore, it has been classified as a Variant of Uncertain Significance.

NM_006623.4(PHGDH):c.688C>A (p.Arg230Ser)

Gene: PHGDH (phosphoglycerate dehydrogenase; plus strand). Cytogenetic location: 1p12.
Variant type: single nucleotide variant.
Coding change: c.688C>A on transcript NM_006623.4 (MANE Select); coding-DNA position 688, C replaced by A.
Protein change: p.Arg230Ser; replaces arginine 230 with serine.
Molecular consequence: missense variant.
Genome position (GRCh38, 1-based): chr1:119,735,339, C>A. VCF-style: chr1-119735339-C-A. GRCh37 (hg19) VCF-style: chr1-120277962-C-A.
Other names: short protein forms R230S.
Identifiers: ClinVar variation 1407545 (VCV001407545.6), dbSNP rs1366611140, ClinGen allele CA341850100.